The following is an entry in ClinVar:

ClinVar aggregate classification (germline): Uncertain significance. Review status: criteria provided, multiple submitters, no conflicts (2 of 4 stars). 2 submissions from 2 submitters: Uncertain significance (2). Last evaluated 2024-05-23.

Conditions:
Hereditary cancer-predisposing syndrome. Also called: Hereditary Cancer Syndrome; Neoplastic Syndromes, Hereditary; Tumor predisposition; Hereditary neoplastic syndrome. Identifiers: Orphanet 140162, MedGen C0027672, MeSH D009386, MONDO:0015356.

gnomAD v4.1: 1 of 1,612,286 alleles (0.000062%); highest among the groups gnomAD compares: Non-Finnish European, 0.000085%; no homozygotes.

Submissions (2):

Ambry Genetics
Classification: Uncertain significance for Hereditary cancer-predisposing syndrome. Last evaluated: 2024-05-23. Review status: criteria provided, single submitter. Criteria: Ambry Variant Classification Scheme 2023. Collection method: clinical testing. Allele origin: germline.
Comment: The p.G128D variant (also known as c.383G>A), located in coding exon 2 of the RAD51C gene, results from a G to A substitution at nucleotide position 383. The glycine at codon 128 is replaced by aspartic acid, an amino acid with similar properties. This amino acid position is conserved. In addition, this alteration is predicted to be deleterious by in silico analysis. Based on the available evidence, the clinical significance of this variant remains unclear.

Color Diagnostics, LLC DBA Color Health
Classification: Uncertain significance for Hereditary cancer-predisposing syndrome. Last evaluated: 2023-12-05. Review status: criteria provided, single submitter. Criteria: ACMG Guidelines, 2015. Collection method: clinical testing. Allele origin: germline.
Comment: This missense variant replaces glycine with aspartic acid at codon 128 of the RAD51C protein. Computational prediction suggests that this variant may have deleterious impact on protein structure and function (internally defined REVEL score threshold >= 0.7, PMID: 27666373). To our knowledge, functional studies have not been reported for this variant. This variant has not been reported in individuals affected with RAD51C-related disorders in the literature. This variant has not been identified in the general population by the Genome Aggregation Database (gnomAD). The available evidence is insufficient to determine the role of this variant in disease conclusively. Therefore, this variant is classified as a Variant of Uncertain Significance.

NM_058216.3(RAD51C):c.383G>A (p.Gly128Asp)

Gene: RAD51C (RAD51 paralog C; plus strand). Cytogenetic location: 17q22.
Variant type: single nucleotide variant.
Coding change: c.383G>A on transcript NM_058216.3 (MANE Select); coding-DNA position 383, G replaced by A.
Protein change: p.Gly128Asp; replaces glycine 128 with aspartic acid.
Molecular consequence: missense variant. On other transcripts: non-coding transcript variant (2).
Genome position (GRCh38, 1-based): chr17:58,695,168, G>A. VCF-style: chr17-58695168-G-A. GRCh37 (hg19) VCF-style: chr17-56772529-G-A.
Other names: c.383G>A, p.Gly128Asp (NM_002876.4); c.383G>A (NM_058216.1); short protein forms G128D.
Identifiers: ClinVar variation 490126 (VCV000490126.7), dbSNP rs1555593874, ClinGen allele CA400341921.